The following is an entry in ClinVar:

NM_017654.4(SAMD9):c.4558G>T (p.Glu1520Ter)

Gene: SAMD9 (sterile alpha motif domain containing 9; minus strand). Cytogenetic location: 7q21.2.
Variant type: single nucleotide variant.
Coding change: c.4558G>T on transcript NM_017654.4 (MANE Select); coding-DNA position 4558, G replaced by T.
Protein change: p.Glu1520Ter; replaces glutamic acid 1520 with a stop codon.
Molecular consequence: nonsense.
Genome position (GRCh38, 1-based): chr7:93,101,540, C>A on the plus strand (G>T on the coding strand, the complement: SAMD9 is on the minus strand). VCF-style: chr7-93101540-C-A. GRCh37 (hg19) VCF-style: chr7-92730853-C-A.
Other names: c.4558G>T, p.Glu1520Ter (NM_001193307.2); short protein forms E1520*.
Identifiers: ClinVar variation 554312 (VCV000554312.15), dbSNP rs200178876, ClinGen allele CA4342536.
Genomic context (GRCh38, chr7:93,101,540, plus strand): 5'-ATAAACAATTGTTTTCAGCTCGACCTTGTAAACGAAGCAAAAGTTCTTGGACTTTTTCCT[C>A]CTTCCACACATCTCCACTCTGCCACAAGGAATTAATATCTGGTGTCTTCTTAAAGCACTG-3'

ClinVar aggregate classification (germline): Conflicting classifications of pathogenicity. Review status: criteria provided, conflicting classifications (1 of 4 stars). 6 submissions from 6 submitters: Likely pathogenic (1); Uncertain significance (4). 1 of the submissions does not count toward it. Last evaluated 2026-01-31.

Conditions:
Normophosphatemic familial tumoral calcinosis. Also called: CALCINOSIS, TUMORAL, WITH NORMOPHOSPHATEMIA. Identifiers: Orphanet 306658, Orphanet 53715, MedGen C1864861, MONDO:0012502, OMIM 610455.

Allele frequency attached by ClinVar (database versions not stated): TOPMed 0.00003; gnomAD 0.00004; ExAC 0.00006.
gnomAD v4.1: 94 of 1,613,674 alleles (0.0058%); highest among the groups gnomAD compares: Middle Eastern, 0.033%; no homozygotes.

Submissions (6):

Labcorp Genetics (formerly Invitae), Labcorp
Classification: Uncertain significance. Last evaluated: 2026-01-31. Review status: criteria provided, single submitter. Criteria: Invitae Variant Classification Sherloc (09022015). Collection method: clinical testing. Allele origin: germline.
Comment: This sequence change creates a premature translational stop signal (p.Glu1520*) in the SAMD9 gene. While this is not anticipated to result in nonsense mediated decay, it is expected to disrupt the last 70 amino acid(s) of the SAMD9 protein. This variant is present in population databases (rs200178876, gnomAD 0.007%). This variant has not been reported in the literature in individuals affected with SAMD9-related conditions. ClinVar contains an entry for this variant (Variation ID: 554312). In summary, the available evidence is currently insufficient to determine the role of this variant in disease. Therefore, it has been classified as a Variant of Uncertain Significance.

GeneDx
Classification: Uncertain significance. Last evaluated: 2024-02-21. Review status: criteria provided, single submitter. Criteria: GeneDx Variant Classification Process June 2021. Collection method: clinical testing. Allele origin: germline. Affected: yes.
Comment: Nonsense variant predicted to result in protein truncation, as the last 70 amino acids are lost, in a gene for which loss of function is not an established mechanism of disease; Has not been previously published as pathogenic or benign to our knowledge; This variant is associated with the following publications: (PMID: 28545555)

Blueprint Genetics
Classification: Uncertain significance. Last evaluated: 2023-05-23. Review status: criteria provided, single submitter. Criteria: ACMG Guidelines, 2015. Collection method: clinical testing. Allele origin: germline.

Genetic Services Laboratory, University of Chicago
Classification: Uncertain significance. Last evaluated: 2018-10-01. Review status: criteria provided, single submitter. Criteria: ACMG Guidelines, 2015. Collection method: clinical testing. Allele origin: germline. Affected: no.

Kariminejad - Najmabadi Pathology & Genetics Center
Classification: Likely pathogenic for Normophosphatemic familial tumoral calcinosis. Review status: criteria provided, single submitter. Criteria: ACMG Guidelines, 2015. Collection method: clinical testing. Allele origin: germline. Affected: no.

Counsyl
Classification: Uncertain significance for Normophosphatemic familial tumoral calcinosis. Last evaluated: 2017-10-16. Review status: no assertion criteria provided. Collection method: clinical testing. Allele origin: unknown. Not counted in ClinVar's aggregate classification.